The following is an entry in ClinVar:

NM_022124.6(CDH23):c.4041G>A (p.Thr1347=)

Genes: C10orf105 (chromosome 10 open reading frame 105; minus strand), CDH23 (cadherin related 23; plus strand). Cytogenetic location: 10q22.1.
Variant type: single nucleotide variant.
Coding change: c.4041G>A on transcript NM_022124.6 (MANE Select); coding-DNA position 4041, G replaced by A.
Protein change: p.Thr1347=; no amino-acid change (threonine 1347 retained).
Molecular consequence: synonymous variant. On other transcripts: intron variant (1).
Genome position (GRCh38, 1-based): chr10:71,732,312, G>A. VCF-style: chr10-71732312-G-A. GRCh37 (hg19) VCF-style: chr10-73492069-G-A.
Other names: c.4041G>A, p.Thr1347= (NM_001171930.2); c.-6+5416C>T (NM_001168390.2).
Identifiers: ClinVar variation 1128915 (VCV001128915.11), dbSNP rs373634236, ClinGen allele CA5544893.

ClinVar aggregate classification (germline): Likely benign. Review status: criteria provided, multiple submitters, no conflicts (2 of 4 stars). 3 submissions from 3 submitters: Likely benign (3). Last evaluated 2026-01-26.

Conditions:
CDH23-related disorder. Also called: CDH23-related condition; CDH23-related disorders.

Allele frequency attached by ClinVar (database versions not stated): ExAC 0.00011; gnomAD 0.00008; 1000 Genomes Project 30x 0.00016; 1000 Genomes Project 0.00020; TOPMed 0.00008; ESP Exome Variant Server 0.00016.
gnomAD v4.1: 81 of 1,607,022 alleles (0.005%); highest among the groups gnomAD compares: Middle Eastern, 0.05%; no homozygotes.

Submissions (3):

Labcorp Genetics (formerly Invitae), Labcorp
Classification: Likely benign. Last evaluated: 2026-01-26. Review status: criteria provided, single submitter. Criteria: Invitae Variant Classification Sherloc (09022015). Collection method: clinical testing. Allele origin: germline.

PreventionGenetics, part of Exact Sciences
Classification: Likely benign for CDH23-related condition. Last evaluated: 2025-06-19. Review status: criteria provided, single submitter. Criteria: ACMG Guidelines, 2015. Collection method: clinical testing. Allele origin: germline.
Comment: This variant is classified as likely benign based on ACMG/AMP sequence variant interpretation guidelines (Richards et al. 2015 PMID: 25741868, with internal and published modifications).

Blueprint Genetics
Classification: Likely benign. Last evaluated: 2024-09-16. Review status: criteria provided, single submitter. Criteria: ACMG Guidelines, 2015. Collection method: clinical testing. Allele origin: germline.